The following is an entry in ClinVar:

ClinVar aggregate classification (germline): Uncertain significance (1 of 4 stars; one submission).

Submission:

Labcorp Genetics (formerly Invitae), Labcorp
Classification: Uncertain significance. Last evaluated: 2021-03-20. Review status: criteria provided, single submitter. Criteria: Invitae Variant Classification Sherloc (09022015). Collection method: clinical testing. Allele origin: germline.
Comment: In summary, the available evidence is currently insufficient to determine the role of this variant in disease. Therefore, it has been classified as a Variant of Uncertain Significance. Algorithms developed to predict the effect of missense changes on protein structure and function are either unavailable or do not agree on the potential impact of this missense change (SIFT: "Deleterious"; PolyPhen-2: "Benign"; Align-GVGD: "Class C0"). This variant has not been reported in the literature in individuals with SZT2-related conditions. This variant is not present in population databases (ExAC no frequency). This sequence change replaces aspartic acid with glutamic acid at codon 1808 of the SZT2 protein (p.Asp1808Glu). The aspartic acid residue is highly conserved and there is a small physicochemical difference between aspartic acid and glutamic acid.

NM_001365999.1(SZT2):c.5595C>G (p.Asp1865Glu)

Gene: SZT2 (SZT2 subunit of KICSTOR complex; plus strand). Cytogenetic location: 1p34.2.
Variant type: single nucleotide variant.
Coding change: c.5595C>G on transcript NM_001365999.1 (MANE Select); coding-DNA position 5595, C replaced by G.
Protein change: p.Asp1865Glu; replaces aspartic acid 1865 with glutamic acid.
Molecular consequence: missense variant.
Genome position (GRCh38, 1-based): chr1:43,432,792, C>G. VCF-style: chr1-43432792-C-G. GRCh37 (hg19) VCF-style: chr1-43898463-C-G.
Other names: c.5424C>G, p.Asp1808Glu (NM_015284.4); short protein forms D1865E, D1808E.
Identifiers: ClinVar variation 1380032 (VCV001380032.8), dbSNP rs1287285079, ClinGen allele CA340025790.
Genomic context (GRCh38, chr1:43,432,792, plus strand): 5'-TCAGCCTGGGCCCAGCCGGGGATTAAGTCTCATGTCCAGTCAGGGCAGTGTGGACTCAGA[C>G]CACCTAGGTAAGCTGGGGGGACGGGGTGAAGGACTCTAAGCTGATGGGAGGTGGGCTTAG-3'
Protein context (NP_001352928.1, residues 1855-1875): LMSSQGSVDS[Asp1865Glu]HLGYDGGSSG